The following is an entry in ClinVar:

NM_001367624.2(ZNF469):c.2415C>T (p.Ala805=)

Gene: ZNF469 (zinc finger protein 469; plus strand). Cytogenetic location: 16q24.2.
Variant type: single nucleotide variant.
Coding change: c.2415C>T on transcript NM_001367624.2 (MANE Select); coding-DNA position 2415, C replaced by T.
Protein change: p.Ala805=; no amino-acid change (alanine 805 retained).
Molecular consequence: synonymous variant.
Genome position (GRCh38, 1-based): chr16:88,429,885, C>T. VCF-style: chr16-88429885-C-T. GRCh37 (hg19) VCF-style: chr16-88496293-C-T.
Other names: NM_001127464.1:c.2415C>T.
Identifiers: ClinVar variation 512336 (VCV000512336.5), dbSNP rs961899310, ClinGen allele CA286373631.

ClinVar aggregate classification (germline): Likely benign. Review status: criteria provided, multiple submitters, no conflicts (2 of 4 stars). 3 submissions from 3 submitters: Likely benign (3). Last evaluated 2024-11-19.

Conditions:
Cardiovascular phenotype. Identifiers: MedGen CN230736.

Allele frequency attached by ClinVar (database versions not stated): TOPMed 0.00001; gnomAD 0.00002.
gnomAD v4.1: 10 of 1,550,108 alleles (0.00065%); highest among the groups gnomAD compares: African/African-American, 0.0041%; no homozygotes.

Submissions (3):

Labcorp Genetics (formerly Invitae), Labcorp
Classification: Likely benign. Last evaluated: 2024-11-19. Review status: criteria provided, single submitter. Criteria: Invitae Variant Classification Sherloc (09022015). Collection method: clinical testing. Allele origin: germline.

Ambry Genetics
Classification: Likely benign for Cardiovascular phenotype. Last evaluated: 2024-04-28. Review status: criteria provided, single submitter. Criteria: Ambry Variant Classification Scheme 2023. Collection method: clinical testing. Allele origin: germline.

GeneDx
Classification: Likely benign. Last evaluated: 2017-09-22. Review status: criteria provided, single submitter. Criteria: GeneDx Variant Classification (06012015). Collection method: clinical testing. Allele origin: germline. Affected: yes.
Comment: This variant is considered likely benign or benign based on one or more of the following criteria: it is a conservative change, it occurs at a poorly conserved position in the protein, it is predicted to be benign by multiple in silico algorithms, and/or has population frequency not consistent with disease.